The following is an entry in ClinVar:

ClinVar aggregate classification (germline): Uncertain significance. Review status: criteria provided, multiple submitters, no conflicts (2 of 4 stars). 2 submissions from 2 submitters: Uncertain significance (2). Last evaluated 2025-06-22.

Conditions:
Inborn genetic diseases. Identifiers: MedGen C0950123, MeSH D030342.
RFT1-congenital disorder of glycosylation (CDG1N). Also called: RFT1-CDG; Congenital disorder of glycosylation type In; CDG In. Identifiers: Orphanet 244310, MedGen C2677590, MONDO:0012783, OMIM 612015.

Allele frequency attached by ClinVar (database versions not stated): gnomAD 0.00001; gnomAD exomes 0.00001; TOPMed 0.00001.
gnomAD v4.1: 16 of 1,614,120 alleles (0.00099%); highest among the groups gnomAD compares: Admixed American, 0.0067%; no homozygotes.

Submissions (2):

Ambry Genetics
Classification: Uncertain significance for Inborn genetic diseases. Last evaluated: 2025-06-22. Review status: criteria provided, single submitter. Criteria: Ambry Variant Classification Scheme 2023. Collection method: clinical testing. Allele origin: germline.

Labcorp Genetics (formerly Invitae), Labcorp
Classification: Uncertain significance for RFT1-congenital disorder of glycosylation. Last evaluated: 2023-08-24. Review status: criteria provided, single submitter. Criteria: Invitae Variant Classification Sherloc (09022015). Collection method: clinical testing. Allele origin: germline.
Comment: In summary, the available evidence is currently insufficient to determine the role of this variant in disease. Therefore, it has been classified as a Variant of Uncertain Significance. Advanced modeling of protein sequence and biophysical properties (such as structural, functional, and spatial information, amino acid conservation, physicochemical variation, residue mobility, and thermodynamic stability) performed at Invitae indicates that this missense variant is not expected to disrupt RFT1 protein function. ClinVar contains an entry for this variant (Variation ID: 2413211). This variant has not been reported in the literature in individuals affected with RFT1-related conditions. This variant is not present in population databases (gnomAD no frequency). This sequence change replaces threonine, which is neutral and polar, with alanine, which is neutral and non-polar, at codon 519 of the RFT1 protein (p.Thr519Ala).

NM_052859.4(RFT1):c.1555A>G (p.Thr519Ala)

Gene: RFT1 (RFT1 glycolipid translocator homolog; minus strand). Cytogenetic location: 3p21.1.
Variant type: single nucleotide variant.
Coding change: c.1555A>G on transcript NM_052859.4 (MANE Select); coding-DNA position 1555, A replaced by G.
Protein change: p.Thr519Ala; replaces threonine 519 with alanine.
Molecular consequence: missense variant.
Genome position (GRCh38, 1-based): chr3:53,091,974, T>C on the plus strand (A>G on the coding strand, the complement: RFT1 is on the minus strand). VCF-style: chr3-53091974-T-C. GRCh37 (hg19) VCF-style: chr3-53125990-T-C.
Other names: c.1555A>G (NM_052859.3); short protein forms T519A.
Identifiers: ClinVar variation 2413211 (VCV002413211.5), dbSNP rs1701002499, ClinGen allele CA353225873.